The following is an entry in ClinVar:

NM_000059.4(BRCA2):c.7385C>T (p.Ser2462Phe)

Gene: BRCA2 (BRCA2 DNA repair associated; plus strand). Cytogenetic location: 13q13.1.
Variant type: single nucleotide variant.
Coding change: c.7385C>T on transcript NM_000059.4 (MANE Select); coding-DNA position 7385, C replaced by T.
Protein change: p.Ser2462Phe; replaces serine 2462 with phenylalanine.
Molecular consequence: missense variant.
Genome position (GRCh38, 1-based): chr13:32,355,238, C>T. VCF-style: chr13-32355238-C-T. GRCh37 (hg19) VCF-style: chr13-32929375-C-T.
Other names: short protein forms S2462F.
Identifiers: ClinVar variation 1330087 (VCV001330087.10), dbSNP rs2137558613, ClinGen allele CA387741737.

ClinVar aggregate classification (germline): Uncertain significance. Review status: criteria provided, multiple submitters, no conflicts (2 of 4 stars). 3 submissions from 3 submitters: Uncertain significance (3). Last evaluated 2026-01-10.

Conditions:
Hereditary breast ovarian cancer syndrome. Also called: Hereditary breast and ovarian cancer syndrome; Hereditary breast and ovarian cancer; Hereditary breast and ovarian cancer syndrome (HBOC); BRCA1- and BRCA2-Associated Hereditary Breast and Ovarian Cancer; Hereditary breast and/or ovarian cancer syndrome; Breast and ovarian cancer. Identifiers: Orphanet 145, MedGen C0677776, MeSH D061325, MONDO:0003582. Disease mechanism: loss of function.
Familial cancer of breast. Also called: BREAST CANCER, FAMILIAL; Hereditary breast cancer; hereditary breast carcinoma. Identifiers: Orphanet 227535, MedGen C0346153, MONDO:0016419, OMIM 114480. Disease mechanism: loss of function.

Submissions (3):

Labcorp Genetics (formerly Invitae), Labcorp
Classification: Uncertain significance for Hereditary breast ovarian cancer syndrome. Last evaluated: 2026-01-10. Review status: criteria provided, single submitter. Criteria: Invitae Variant Classification Sherloc (09022015). Collection method: clinical testing. Allele origin: germline.
Comment: This sequence change replaces serine, which is neutral and polar, with phenylalanine, which is neutral and non-polar, at codon 2462 of the BRCA2 protein (p.Ser2462Phe). This variant is not present in population databases (gnomAD no frequency). This variant has not been reported in the literature in individuals affected with BRCA2-related conditions. ClinVar contains an entry for this variant (Variation ID: 1330087). Invitae Evidence Modeling of protein sequence and biophysical properties (such as structural, functional, and spatial information, amino acid conservation, physicochemical variation, residue mobility, and thermodynamic stability) indicates that this missense variant is not expected to disrupt BRCA2 protein function with a negative predictive value of 95%. In summary, the available evidence is currently insufficient to determine the role of this variant in disease. Therefore, it has been classified as a Variant of Uncertain Significance.

Baylor Genetics
Classification: Uncertain significance for Familial cancer of breast. Last evaluated: 2023-05-03. Review status: criteria provided, single submitter. Criteria: ACMG Guidelines, 2015. Collection method: clinical testing. Allele origin: unknown.

Quest Diagnostics Nichols Institute San Juan Capistrano
Classification: Uncertain significance. Last evaluated: 2021-03-09. Review status: criteria provided, single submitter. Criteria: Quest Diagnostics criteria. Collection method: clinical testing. Allele origin: unknown.